The following is an entry in ClinVar:

NM_004380.3(CREBBP):c.1100G>T (p.Cys367Phe)

Gene: CREBBP (CREB binding protein; minus strand). Cytogenetic location: 16p13.3.
Variant type: single nucleotide variant.
Coding change: c.1100G>T on transcript NM_004380.3 (MANE Select); coding-DNA position 1100, G replaced by T.
Protein change: p.Cys367Phe; replaces cysteine 367 with phenylalanine.
Molecular consequence: missense variant.
Genome position (GRCh38, 1-based): chr16:3,793,502, C>A on the plus strand (G>T on the coding strand, the complement: CREBBP is on the minus strand). VCF-style: chr16-3793502-C-A. GRCh37 (hg19) VCF-style: chr16-3843503-C-A.
Other names: c.1100G>T, p.Cys367Phe (NM_001079846.1); short protein forms C367F.
Identifiers: ClinVar variation 373590 (VCV000373590.1), dbSNP rs1057518498, ClinGen allele CA16042987.
Genomic context (GRCh38, chr16:3,793,502, plus strand): 5'-GTTCGACAATGCGGGAGCGAGCAGGCCCGAACCTCTCCGTTTGCTTGCTCTCGTCTCTGA[C>A]ACTTATGAGCATGAAGCAGTAGAACCAGCTGCTGCTGTATCAGTTTGCGTTTTTCAGGAT-3'
Protein context (NP_004371.2, residues 357-377): QLVLLLHAHK[Cys367Phe]QRREQANGEV

ClinVar aggregate classification (germline): Likely pathogenic (1 of 4 stars; one submission).

Submission:

GeneDx
Classification: Likely pathogenic. Last evaluated: 2016-11-29. Review status: criteria provided, single submitter. Criteria: GeneDx Variant Classification (06012015). Collection method: clinical testing. Allele origin: germline. Affected: yes.
Comment: The C367F variant has not been published as a pathogenic variant, nor has it been reported as a benign variant to our knowledge. The variant was not observed in approximately 6,500 individuals of European and African American ancestry in the NHLBI Exome Sequencing Project, indicating it is not a common benign variant in these populations. C367F is a non-conservative amino acid substitution, which is likely to impact secondary protein structure as these residues differ in polarity, charge, size and/or other properties. This substitution occurs within a zinc finger region that is critical for interaction with the SRCAP region of CREBBP (Johnston et al., 1999). The C367 residue is conserved across species, and in silico analysis predicts this variant is probably damaging to the protein structure/function. Therefore, we consider this variant to be likely pathogenic, although the possibility it is benign cannot be excluded.